The following is an entry in ClinVar:

NM_016013.4(NDUFAF1):c.-6T>G

Gene: NDUFAF1 (NADH:ubiquinone oxidoreductase complex assembly factor 1; minus strand). Cytogenetic location: 15q15.1.
Variant type: single nucleotide variant.
Coding change: c.-6T>G on transcript NM_016013.4 (MANE Select); 6 bases upstream of the start codon, T replaced by G.
Molecular consequence: 5 prime UTR variant. On other transcripts: non-coding transcript variant (1).
Genome position (GRCh38, 1-based): chr15:41,397,065, A>C on the plus strand (T>G on the coding strand, the complement: NDUFAF1 is on the minus strand). VCF-style: chr15-41397065-A-C. GRCh37 (hg19) VCF-style: chr15-41689263-A-C.
Identifiers: ClinVar variation 138453 (VCV000138453.28), dbSNP rs180730324, ClinGen allele CA292445.

ClinVar aggregate classification (germline): Conflicting classifications of pathogenicity. Review status: criteria provided, conflicting classifications (1 of 4 stars). 6 submissions from 6 submitters: Uncertain significance (1); Benign (1); Likely benign (3). 1 of the submissions does not count toward it. Last evaluated 2026-09-01.

Conditions:
Mitochondrial complex I deficiency, nuclear type 1. Also called: NADH-COENZYME Q REDUCTASE DEFICIENCY; MITOCHONDRIAL NADH DEHYDROGENASE COMPONENT OF COMPLEX I, DEFICIENCY OF. Identifiers: MedGen C6022305, MONDO:0100224, OMIM 252010.

Allele frequency attached by ClinVar (database versions not stated): ESP Exome Variant Server 0.00217; 1000 Genomes Project 30x 0.00250; 1000 Genomes Project 0.00260; gnomAD 0.00397 and 0.00404; gnomAD exomes 0.00411 and 0.00493; TOPMed 0.00434; ExAC 0.00447.
gnomAD v4.1: 7,770 of 1,611,530 alleles (0.48%); highest among the groups gnomAD compares: Non-Finnish European, 0.55%; 23 homozygotes.

Submissions (6):

CeGaT Center for Human Genetics Tuebingen
Classification: Likely benign. Last evaluated: 2026-09-01. Review status: criteria provided, single submitter. Criteria: CeGaT Center For Human Genetics Tuebingen Variant Classification Criteria Version 2. Collection method: clinical testing. Allele origin: germline. Affected: yes. Observed: 14 variant alleles.
Comment: NDUFAF1: BP4, BS2

Blueprint Genetics
Classification: Likely benign. Last evaluated: 2024-11-22. Review status: criteria provided, single submitter. Criteria: ACMG Guidelines, 2015. Collection method: clinical testing. Allele origin: germline.

Illumina Laboratory Services, Illumina
Classification: Uncertain significance for Mitochondrial complex I deficiency, nuclear type 1. Last evaluated: 2018-01-13. Review status: criteria provided, single submitter. Criteria: ICSL Variant Classification Criteria 13 December 2019. Collection method: clinical testing. Allele origin: germline.

Eurofins Ntd Llc (ga)
Classification: Likely benign. Last evaluated: 2017-08-09. Review status: criteria provided, single submitter. Criteria: EGL Classification Definitions 2015. Collection method: clinical testing. Allele origin: germline. Observed: 1 variant allele, 1 heterozygote.

GeneDx
Classification: Benign. Last evaluated: 2014-04-10. Review status: criteria provided, single submitter. Criteria: GeneDx Variant Classification (06012015). Collection method: clinical testing. Allele origin: germline. Affected: yes.
Comment: This variant is considered likely benign or benign based on one or more of the following criteria: it is a conservative change, it occurs at a poorly conserved position in the protein, it is predicted to be benign by multiple in silico algorithms, and/or has population frequency not consistent with disease.

Mayo Clinic Laboratories, Mayo Clinic
Classification: Likely benign. Last evaluated: 2018-01-12. Review status: no assertion criteria provided. Collection method: clinical testing. Allele origin: unknown. Not counted in ClinVar's aggregate classification.